The following is an entry in ClinVar:

ClinVar aggregate classification (germline): Uncertain significance (1 of 4 stars; one submission).

gnomAD v4.1: 3 of 1,610,360 alleles (0.00019%); highest among the groups gnomAD compares: Admixed American, 0.0017%; no homozygotes.

Submission:

GeneDx
Classification: Uncertain significance. Last evaluated: 2024-10-01. Review status: criteria provided, single submitter. Criteria: GeneDx Variant Classification Process June 2021. Collection method: clinical testing. Allele origin: germline. Affected: yes.
Comment: Not observed at significant frequency in large population cohorts (gnomAD); In silico analysis indicates that this missense variant does not alter protein structure/function; Has not been previously published as pathogenic or benign to our knowledge

NM_013275.6(ANKRD11):c.2920G>C (p.Glu974Gln)

Gene: ANKRD11 (ankyrin repeat domain containing 11; minus strand). Cytogenetic location: 16q24.3.
Variant type: single nucleotide variant.
Coding change: c.2920G>C on transcript NM_013275.6 (MANE Select); coding-DNA position 2920, G replaced by C.
Protein change: p.Glu974Gln; replaces glutamic acid 974 with glutamine.
Molecular consequence: missense variant.
Genome position (GRCh38, 1-based): chr16:89,283,622, C>G on the plus strand (G>C on the coding strand, the complement: ANKRD11 is on the minus strand). VCF-style: chr16-89283622-C-G. GRCh37 (hg19) VCF-style: chr16-89350030-C-G.
Other names: c.2920G>C, p.Glu974Gln (NM_001256182.2, NM_001256183.2); short protein forms E974Q.
Identifiers: ClinVar variation 3776455 (VCV003776455.1).